The following is an entry in ClinVar:

ClinVar aggregate classification (germline): Uncertain significance (1 of 4 stars; one submission).

gnomAD v4.1: 1 of 1,607,144 alleles (0.000062%); highest among the groups gnomAD compares: Non-Finnish European, 0.000085%; no homozygotes.

Submission:

Labcorp Genetics (formerly Invitae), Labcorp
Classification: Uncertain significance. Last evaluated: 2020-06-24. Review status: criteria provided, single submitter. Criteria: Invitae Variant Classification Sherloc (09022015). Collection method: clinical testing. Allele origin: germline.
Comment: In summary, the available evidence is currently insufficient to determine the role of this variant in disease. Therefore, it has been classified as a Variant of Uncertain Significance. Algorithms developed to predict the effect of missense changes on protein structure and function (SIFT, PolyPhen-2, Align-GVGD) all suggest that this variant is likely to be tolerated, but these predictions have not been confirmed by published functional studies and their clinical significance is uncertain. This variant has not been reported in the literature in individuals with ADGRV1-related conditions. This variant is not present in population databases (ExAC no frequency). This sequence change replaces lysine with threonine at codon 4882 of the ADGRV1 protein (p.Lys4882Thr). The lysine residue is weakly conserved and there is a moderate physicochemical difference between lysine and threonine.

NM_032119.4(ADGRV1):c.14645A>C (p.Lys4882Thr)

Gene: ADGRV1 (adhesion G protein-coupled receptor V1; plus strand). Cytogenetic location: 5q14.3.
Variant type: single nucleotide variant.
Coding change: c.14645A>C on transcript NM_032119.4 (MANE Select); coding-DNA position 14645, A replaced by C.
Protein change: p.Lys4882Thr; replaces lysine 4882 with threonine.
Molecular consequence: missense variant. On other transcripts: non-coding transcript variant (1).
Genome position (GRCh38, 1-based): chr5:90,802,866, A>C. VCF-style: chr5-90802866-A-C. GRCh37 (hg19) VCF-style: chr5-90098683-A-C.
Other names: short protein forms K4882T.
Identifiers: ClinVar variation 1006829 (VCV001006829.9), dbSNP rs1761522267, ClinGen allele CA360405448.